The following is an entry in ClinVar:

NM_001130987.2(DYSF):c.159G>A (p.Trp53Ter)

Gene: DYSF (dysferlin; plus strand). Cytogenetic location: 2p13.2.
Variant type: single nucleotide variant.
Coding change: c.159G>A on transcript NM_001130987.2 (MANE Select); coding-DNA position 159, G replaced by A.
Protein change: p.Trp53Ter; replaces tryptophan 53 with a stop codon.
Molecular consequence: nonsense.
Genome position (GRCh38, 1-based): chr2:71,481,890, G>A. VCF-style: chr2-71481890-G-A. GRCh37 (hg19) VCF-style: chr2-71709020-G-A.
Other names: c.159G>A, p.Trp53Ter (NM_001130455.2, NM_001130982.2, NM_001130983.2 and 3 more transcripts); c.156G>A, p.Trp52Ter (NM_001130976.2, NM_001130977.2, NM_001130978.2 and 4 more transcripts); short protein forms W53*, W52*.
Identifiers: ClinVar variation 283497 (VCV000283497.15), dbSNP rs886042641, ClinGen allele CA10604511.

ClinVar aggregate classification (germline): Pathogenic. Review status: criteria provided, multiple submitters, no conflicts (2 of 4 stars). 5 submissions from 5 submitters: Pathogenic (3). 2 of the submissions do not count toward it. Last evaluated 2023-11-27.

Conditions:
Autosomal recessive limb-girdle muscular dystrophy type 2B (LGMDR2). Also called: Limb-Girdle Muscular Dystrophy Type 2B (LGMD2B); Limb-girdle muscular dystrophy, type 2B; MUSCULAR DYSTROPHY, LIMB-GIRDLE, AUTOSOMAL RECESSIVE 2; MUSCULAR DYSTROPHY, LIMB-GIRDLE, TYPE 3. Identifiers: Orphanet 268, MedGen C1850889, MONDO:0009676, OMIM 253601.
Neuromuscular disease caused by qualitative or quantitative defects of dysferlin. Also called: Qualitative or quantitative defects of dysferlin; Dysferlinopathy. Identifiers: Orphanet 207073, MedGen C2931687, MONDO:0016145.

Allele frequency attached by ClinVar (database versions not stated): gnomAD exomes below 0.00001.
gnomAD v4.1: 1 of 1,614,052 alleles (0.000062%); highest among the groups gnomAD compares: South Asian, 0.0011%; no homozygotes.

Submissions (5):

Labcorp Genetics (formerly Invitae), Labcorp
Classification: Pathogenic for Neuromuscular disease caused by qualitative or quantitative defects of dysferlin. Last evaluated: 2023-11-27. Review status: criteria provided, single submitter. Criteria: Invitae Variant Classification Sherloc (09022015). Collection method: clinical testing. Allele origin: germline.
Comment: This sequence change creates a premature translational stop signal (p.Trp52*) in the DYSF gene. It is expected to result in an absent or disrupted protein product. Loss-of-function variants in DYSF are known to be pathogenic (PMID: 17698709, 20301480). This variant is not present in population databases (gnomAD no frequency). This variant has not been reported in the literature in individuals affected with DYSF-related conditions. ClinVar contains an entry for this variant (Variation ID: 283497). For these reasons, this variant has been classified as Pathogenic.

Eurofins Ntd Llc (ga)
Classification: Pathogenic. Last evaluated: 2015-10-06. Review status: criteria provided, single submitter. Criteria: EGL Classification Definitions 2015. Collection method: clinical testing. Allele origin: germline. Observed: 1 variant allele, 1 homozygote.

Kasturba Medical College, Manipal, Kasturba Medical College, Manipal, Manipal Academy of Higher Education, Manipal, India
Classification: Pathogenic for Autosomal recessive limb-girdle muscular dystrophy type 2B. Review status: criteria provided, single submitter. Criteria: ACMG Guidelines, 2015. Collection method: clinical testing. Allele origin: paternal. Inheritance: Autosomal recessive inheritance. Affected: yes. Observed: 1 compound heterozygote.

Counsyl
Classification: Likely pathogenic for Autosomal recessive limb-girdle muscular dystrophy type 2B. Last evaluated: 2016-11-20. Review status: no assertion criteria provided. Collection method: clinical testing. Allele origin: unknown. Not counted in ClinVar's aggregate classification.

Neuropathology Laboratory of Hebei Province, The Second Hospital of Hebei Medical University
Classification: Pathogenic for Autosomal recessive limb-girdle muscular dystrophy type 2B. Review status: no assertion criteria provided. Collection method: clinical testing. Allele origin: paternal. Affected: yes. Not counted in ClinVar's aggregate classification.

Literature cited by the submitters: PubMed 17698709 (cited by Labcorp Genetics (formerly Invitae), Labcorp and Kasturba Medical College, Manipal, Kasturba Medical College, Manipal, Manipal Academy of Higher Education, Manipal, India); PubMed 20301480 (cited by Labcorp Genetics (formerly Invitae), Labcorp).